The following is an entry in ClinVar:

ClinVar aggregate classification (germline): Uncertain significance. Review status: criteria provided, multiple submitters, no conflicts (2 of 4 stars). 2 submissions from 2 submitters: Uncertain significance (2). Last evaluated 2022-09-28.

Conditions:
FGFR2-related craniosynostosis. Identifiers: MedGen CN231480.

Allele frequency attached by ClinVar (database versions not stated): gnomAD exomes below 0.00001 and 0.00001; ExAC 0.00002.
gnomAD v4.1: 2 of 1,614,214 alleles (0.00012%); highest among the groups gnomAD compares: Non-Finnish European, 0.00017%; no homozygotes.

Submissions (2):

Labcorp Genetics (formerly Invitae), Labcorp
Classification: Uncertain significance for FGFR2-related craniosynostosis. Last evaluated: 2022-09-28. Review status: criteria provided, single submitter. Criteria: Invitae Variant Classification Sherloc (09022015). Collection method: clinical testing. Allele origin: germline.
Comment: In summary, the available evidence is currently insufficient to determine the role of this variant in disease. Therefore, it has been classified as a Variant of Uncertain Significance. Advanced modeling of protein sequence and biophysical properties (such as structural, functional, and spatial information, amino acid conservation, physicochemical variation, residue mobility, and thermodynamic stability) performed at Invitae indicates that this missense variant is expected to disrupt FGFR2 protein function. ClinVar contains an entry for this variant (Variation ID: 426670). This variant has not been reported in the literature in individuals affected with FGFR2-related conditions. This variant is present in population databases (rs747502397, gnomAD 0.002%). This sequence change replaces arginine, which is basic and polar, with histidine, which is basic and polar, at codon 203 of the FGFR2 protein (p.Arg203His).

GeneDx
Classification: Uncertain significance. Last evaluated: 2017-04-07. Review status: criteria provided, single submitter. Criteria: GeneDx Variant Classification (06012015). Collection method: clinical testing. Allele origin: germline. Affected: yes.
Comment: The R203H variant in the FGFR2 gene has been reported previously as a somatic variant in breast and colon neoplasms, but has not been previously reported in the germline, to our knowledge. The R203H variant is not observed at a significant frequency in large population cohorts (Lek et al., 2016; 1000 Genomes Consortium et al., 2015; Exome Variant Server). The R203H variant is a conservative amino acid substitution, which is not likely to impact secondary protein structure as these residues share similar properties. However, this substitution occurs at a position that is conserved across species, and in silico analysis predicts this variant is probably damaging to the protein structure/function. We interpret R203H as a variant of uncertain significance.

NM_000141.5(FGFR2):c.608G>A (p.Arg203His)

Gene: FGFR2 (fibroblast growth factor receptor 2; minus strand). Cytogenetic location: 10q26.13.
Variant type: single nucleotide variant.
Coding change: c.608G>A on transcript NM_000141.5 (MANE Select); coding-DNA position 608, G replaced by A.
Protein change: p.Arg203His; replaces arginine 203 with histidine.
Molecular consequence: missense variant. On other transcripts: non-coding transcript variant (1).
Genome position (GRCh38, 1-based): chr10:121,551,306, C>T on the plus strand (G>A on the coding strand, the complement: FGFR2 is on the minus strand). VCF-style: chr10-121551306-C-T. GRCh37 (hg19) VCF-style: chr10-123310820-C-T.
Other names: c.608G>A, p.Arg203His (NM_001144913.1, NM_001144914.1, NM_001144917.2 and 2 more transcripts); c.341G>A, p.Arg114His (NM_001144915.2, NM_001144919.2, NM_023029.3); c.263G>A, p.Arg88His (NM_001144916.2, NM_001144918.2); short protein forms R203H, R88H, R114H.
Identifiers: ClinVar variation 426670 (VCV000426670.6), dbSNP rs747502397, ClinGen allele CA5721093.